The following is an entry in ClinVar:

NM_000465.4(BARD1):c.1786_1793del (p.Lys595_Lys596insTer)

Gene: BARD1 (BRCA1 associated RING domain 1; minus strand). Cytogenetic location: 2q35.
Variant type: Deletion.
Coding change: c.1786_1793del on transcript NM_000465.4 (MANE Select); coding-DNA positions 1786 to 1793, 8 bases deleted (AAATATAC; older notation c.1786_1793delAAATATAC).
Protein change: p.Lys595_Lys596insTer.
Molecular consequence: nonsense. On other transcripts: non-coding transcript variant (3), intron variant (1).
Genome position (GRCh38, 1-based): chr2:214,745,739-214,745,746, GTATATTT deleted on the plus strand (AAATATAC on the coding strand, the reverse complement: BARD1 is on the minus strand). VCF-style (leftmost placement, unchanged base first): chr2-214745738-AGTATATTT-A. GRCh37 (hg19) VCF-style: chr2-215610462-AGTATATTT-A.
Other names: c.1729_1736del, p.Lys576_Lys577insTer (NM_001282543.2); c.433_440del, p.Lys144_Lys145insTer (NM_001282545.2); c.376_383del, p.Lys125_Lys126insTer (NM_001282548.2); c.365-15238_365-15231del (NM_001282549.2); c.1786_1793delAAATATAC (NM_000465.2).
Identifiers: ClinVar variation 861379 (VCV000861379.11), dbSNP rs1693074467, ClinGen allele CA916082284.

ClinVar aggregate classification (germline): Pathogenic. Review status: criteria provided, multiple submitters, no conflicts (2 of 4 stars). 3 submissions from 3 submitters: Pathogenic (3). Last evaluated 2025-06-20.

Conditions:
Familial cancer of breast. Also called: hereditary breast carcinoma; Hereditary breast cancer; BREAST CANCER, FAMILIAL. Identifiers: Orphanet 227535, MedGen C0346153, MONDO:0016419, OMIM 114480. Disease mechanism: loss of function.
Hereditary cancer-predisposing syndrome. Also called: Tumor predisposition; Hereditary neoplastic syndrome; Neoplastic Syndromes, Hereditary; Hereditary Cancer Syndrome. Identifiers: Orphanet 140162, MedGen C0027672, MeSH D009386, MONDO:0015356.

Submissions (3):

Labcorp Genetics (formerly Invitae), Labcorp
Classification: Pathogenic for Familial cancer of breast. Last evaluated: 2025-06-20. Review status: criteria provided, single submitter. Criteria: Invitae Variant Classification Sherloc (09022015). Collection method: clinical testing. Allele origin: germline.
Comment: This sequence change creates a premature translational stop signal (p.Lys596*) in the BARD1 gene. It is expected to result in an absent or disrupted protein product. Loss-of-function variants in BARD1 are known to be pathogenic (PMID: 20077502, 21344236). This variant is not present in population databases (gnomAD no frequency). This variant has not been reported in the literature in individuals affected with BARD1-related conditions. ClinVar contains an entry for this variant (Variation ID: 861379). For these reasons, this variant has been classified as Pathogenic.

Ambry Genetics
Classification: Pathogenic for Hereditary cancer-predisposing syndrome. Last evaluated: 2024-07-19. Review status: criteria provided, single submitter. Criteria: Ambry Variant Classification Scheme 2023. Collection method: clinical testing. Allele origin: germline.
Comment: The c.1786_1793delAAATATAC pathogenic mutation, located in coding exon 8 of the BARD1 gene, results from a deletion of 8 nucleotides at nucleotide positions 1786 to 1793, causing a translational frameshift with a predicted alternate stop codon (p.K596*). This variant is considered to be rare based on population cohorts in the Genome Aggregation Database (gnomAD). This alteration is expected to result in loss of function by premature protein truncation or nonsense-mediated mRNA decay. As such, this alteration is interpreted as a disease-causing mutation.

Myriad Genetics, Inc.
Classification: Pathogenic for Familial cancer of breast. Last evaluated: 2023-05-24. Review status: criteria provided, single submitter. Criteria: Myriad Autosomal Dominant, Autosomal Recessive and X-Linked Classification Criteria (2023). Collection method: clinical testing. Allele origin: unknown.
Comment: This variant is considered pathogenic. This variant creates a termination codon and is predicted to result in premature protein truncation.

Literature cited by the submitters: PubMed 20077502 (cited by Labcorp Genetics (formerly Invitae), Labcorp); PubMed 21344236 (cited by Labcorp Genetics (formerly Invitae), Labcorp).